The following is an entry in ClinVar:

ClinVar aggregate classification (germline): Uncertain significance. Review status: criteria provided, multiple submitters, no conflicts (2 of 4 stars). 2 submissions from 2 submitters: Uncertain significance (2). Last evaluated 2024-09-27.

gnomAD v4.1: 17 of 1,613,678 alleles (0.0011%); highest among the groups gnomAD compares: African/African-American, 0.0027%; no homozygotes.

Submissions (2):

Blueprint Genetics
Classification: Uncertain significance. Last evaluated: 2024-09-27. Review status: criteria provided, single submitter. Criteria: ACMG Guidelines, 2015. Collection method: clinical testing. Allele origin: germline.

Labcorp Genetics (formerly Invitae), Labcorp
Classification: Uncertain significance. Last evaluated: 2023-11-18. Review status: criteria provided, single submitter. Criteria: Invitae Variant Classification Sherloc (09022015). Collection method: clinical testing. Allele origin: germline.
Comment: This sequence change replaces arginine, which is basic and polar, with glycine, which is neutral and non-polar, at codon 1141 of the TRPM1 protein (p.Arg1141Gly). This variant is present in population databases (no rsID available, gnomAD 0.004%). This variant has not been reported in the literature in individuals affected with TRPM1-related conditions. ClinVar contains an entry for this variant (Variation ID: 2056940). Advanced modeling of protein sequence and biophysical properties (such as structural, functional, and spatial information, amino acid conservation, physicochemical variation, residue mobility, and thermodynamic stability) performed at Invitae indicates that this missense variant is not expected to disrupt TRPM1 protein function with a negative predictive value of 95%. In summary, the available evidence is currently insufficient to determine the role of this variant in disease. Therefore, it has been classified as a Variant of Uncertain Significance.

NM_001252024.2(TRPM1):c.3487C>G (p.Arg1163Gly)

Genes: TRPM1 (transient receptor potential cation channel subfamily M member 1; minus strand), TRPM1-AS1 (TRPM1 antisense RNA 1; plus strand), LOC126862088 (BRD4-independent group 4 enhancer GRCh37_chr15:31318084-31319283; plus strand). Cytogenetic location: 15q13.3.
Variant type: single nucleotide variant.
Coding change: c.3487C>G on transcript NM_001252024.2 (MANE Select); coding-DNA position 3487, C replaced by G.
Protein change: p.Arg1163Gly; replaces arginine 1163 with glycine.
Molecular consequence: missense variant.
Genome position (GRCh38, 1-based): chr15:31,026,924, G>C on the plus strand (C>G on the coding strand, the complement: TRPM1 is on the minus strand). VCF-style: chr15-31026924-G-C. GRCh37 (hg19) VCF-style: chr15-31319127-G-C.
Other names: c.3538C>G, p.Arg1180Gly (NM_001252020.2); c.3421C>G, p.Arg1141Gly (NM_002420.6); short protein forms R1141G, R1163G, R1180G.
Identifiers: ClinVar variation 2056940 (VCV002056940.5), dbSNP rs763463725, ClinGen allele CA267514090.